The following is an entry in ClinVar:

ClinVar aggregate classification (germline): Conflicting classifications of pathogenicity. Review status: criteria provided, conflicting classifications (1 of 4 stars). 6 submissions from 4 submitters: Uncertain significance (3); Likely benign (2). 1 of the submissions does not count toward it. Last evaluated 2024-04-19.

Conditions:
Acute febrile neutrophilic dermatosis (AFND). Also called: Sweet Syndrome; Gomm Button disease. Identifiers: Orphanet 3243, MedGen C0085077, MONDO:0011959, OMIM 608068.
Familial Mediterranean fever (FMF). Also called: POLYSEROSITIS, FAMILIAL PAROXYSMAL; POLYSEROSITIS, RECURRENT; Periodic peritonitis; Benign paroxysmal peritonitis. Identifiers: Orphanet 342, MedGen C0031069, MONDO:0018088, OMIM 249100. Disease mechanism: gain of function.
Familial Mediterranean fever, autosomal dominant. Also called: FMF, AUTOSOMAL DOMINANT; Dominant Familial Mediterranean Fever. Identifiers: Orphanet 342, MedGen C1851347, MONDO:0007601, OMIM 134610.

Allele frequency attached by ClinVar (database versions not stated): ExAC 0.00002; TOPMed 0.00004; gnomAD 0.00004.

Submissions (6):

Fulgent Genetics
Classification: Uncertain significance for Familial Mediterranean fever, autosomal dominant; Familial Mediterranean fever; Acute febrile neutrophilic dermatosis. Last evaluated: 2024-04-19. Review status: criteria provided, single submitter. Criteria: ACMG Guidelines, 2015. Collection method: clinical testing. Allele origin: germline.

Genome-Nilou Lab
Classification: Uncertain significance for Familial Mediterranean fever. Last evaluated: 2023-02-08. Review status: criteria provided, single submitter. Criteria: ACMG Guidelines, 2015. Collection method: clinical testing. Allele origin: germline.

Genome-Nilou Lab
Classification: Likely benign for Familial Mediterranean fever, autosomal dominant. Last evaluated: 2023-02-08. Review status: criteria provided, single submitter. Criteria: ACMG Guidelines, 2015. Collection method: clinical testing. Allele origin: germline.

Genome-Nilou Lab
Classification: Likely benign for Acute febrile neutrophilic dermatosis. Last evaluated: 2023-02-08. Review status: criteria provided, single submitter. Criteria: ACMG Guidelines, 2015. Collection method: clinical testing. Allele origin: germline.

Labcorp Genetics (formerly Invitae), Labcorp
Classification: Uncertain significance for Familial Mediterranean fever. Last evaluated: 2022-06-07. Review status: criteria provided, single submitter. Criteria: Invitae Variant Classification Sherloc (09022015). Collection method: clinical testing. Allele origin: germline.
Comment: This sequence change replaces valine, which is neutral and non-polar, with glycine, which is neutral and non-polar, at codon 704 of the MEFV protein (p.Val704Gly). This variant is present in population databases (rs748891586, gnomAD 0.02%). This missense change has been observed in individual(s) with familial Mediterranean fever (PMID: 22566169). ClinVar contains an entry for this variant (Variation ID: 845727). Algorithms developed to predict the effect of missense changes on protein structure and function are either unavailable or do not agree on the potential impact of this missense change (SIFT: "Tolerated"; PolyPhen-2: "Possibly Damaging"; Align-GVGD: "Class C0"). In summary, the available evidence is currently insufficient to determine the role of this variant in disease. Therefore, it has been classified as a Variant of Uncertain Significance.

Natera, Inc.
Classification: Uncertain significance for Familial Mediterranean fever. Last evaluated: 2020-09-16. Review status: no assertion criteria provided. Collection method: clinical testing. Allele origin: germline. Not counted in ClinVar's aggregate classification.

Literature cited by the submitters: PubMed 22566169 (cited by Labcorp Genetics (formerly Invitae), Labcorp).

NM_000243.3(MEFV):c.2111T>G (p.Val704Gly)

Genes: MEFV (MEFV innate immunity regulator, pyrin; minus strand), LOC126862264 (CDK7 strongly-dependent group 2 enhancer GRCh37_chr16:3293322-3294521; plus strand). Cytogenetic location: 16p13.3.
Variant type: single nucleotide variant.
Coding change: c.2111T>G on transcript NM_000243.3 (MANE Select); coding-DNA position 2111, T replaced by G.
Protein change: p.Val704Gly; replaces valine 704 with glycine.
Molecular consequence: missense variant. On other transcripts: 3 prime UTR variant (1).
Genome position (GRCh38, 1-based): chr16:3,243,376, A>C on the plus strand (T>G on the coding strand, the complement: MEFV is on the minus strand). VCF-style: chr16-3243376-A-C. GRCh37 (hg19) VCF-style: chr16-3293376-A-C.
Other names: c.*315T>G (NM_001198536.2); short protein forms V704G.
Identifiers: ClinVar variation 845727 (VCV000845727.6), dbSNP rs748891586, ClinGen allele CA7859873.